The following is an entry in ClinVar:

ClinVar aggregate classification (germline): Uncertain significance. Review status: criteria provided, multiple submitters, no conflicts (2 of 4 stars). 2 submissions from 2 submitters: Uncertain significance (2). Last evaluated 2025-02-02.

Conditions:
Congenital myasthenic syndrome 2A. Also called: Myasthenic syndrome, congenital, 2a, slow-channel. Identifiers: Orphanet 590, MedGen C4225374, MONDO:0014581, OMIM 616313.

Allele frequency attached by ClinVar (database versions not stated): ExAC 0.00001; gnomAD 0.00001; TOPMed 0.00001; gnomAD exomes 0.00002 and 0.00005.
gnomAD v4.1: 71 of 1,609,090 alleles (0.0044%); highest among the groups gnomAD compares: Non-Finnish European, 0.0059%; no homozygotes.

Submissions (2):

Revvity Omics, Revvity
Classification: Uncertain significance. Last evaluated: 2025-02-02. Review status: criteria provided, single submitter. Criteria: ACMG Guidelines, 2015. Collection method: clinical testing. Allele origin: germline.

Labcorp Genetics (formerly Invitae), Labcorp
Classification: Uncertain significance for Congenital myasthenic syndrome 2A. Last evaluated: 2022-10-17. Review status: criteria provided, single submitter. Criteria: Invitae Variant Classification Sherloc (09022015). Collection method: clinical testing. Allele origin: germline.
Comment: This sequence change replaces alanine, which is neutral and non-polar, with valine, which is neutral and non-polar, at codon 15 of the CHRNB1 protein (p.Ala15Val). This variant is present in population databases (rs75926342, gnomAD 0.003%). This variant has not been reported in the literature in individuals affected with CHRNB1-related conditions. ClinVar contains an entry for this variant (Variation ID: 655540). Advanced modeling of protein sequence and biophysical properties (such as structural, functional, and spatial information, amino acid conservation, physicochemical variation, residue mobility, and thermodynamic stability) performed at Invitae indicates that this missense variant is not expected to disrupt CHRNB1 protein function. In summary, the available evidence is currently insufficient to determine the role of this variant in disease. Therefore, it has been classified as a Variant of Uncertain Significance.

NM_000747.3(CHRNB1):c.44C>T (p.Ala15Val)

Genes: CHRNB1 (cholinergic receptor nicotinic beta 1 subunit; plus strand), LOC130060147 (ATAC-STARR-seq lymphoblastoid silent region 8121; plus strand). Cytogenetic location: 17p13.1.
Variant type: single nucleotide variant.
Coding change: c.44C>T on transcript NM_000747.3 (MANE Select); coding-DNA position 44, C replaced by T.
Protein change: p.Ala15Val; replaces alanine 15 with valine.
Molecular consequence: missense variant.
Genome position (GRCh38, 1-based): chr17:7,445,171, C>T. VCF-style: chr17-7445171-C-T. GRCh37 (hg19) VCF-style: chr17-7348490-C-T.
Other names: short protein forms A15V.
Identifiers: ClinVar variation 655540 (VCV000655540.11), dbSNP rs75926342, ClinGen allele CA8347603.
Genomic context (GRCh38, chr17:7,445,171, plus strand): 5'-GAGCGAGCCGCCAGGCTATGACCCCAGGGGCTCTGCTGATGCTGCTGGGGGCGCTGGGGG[C>T]GCCGCTCGCCCCAGGTAAGTGTAGGCCCCGAAGGGGCAGTGACGGGGCCAGCGGTCGTGG-3'
Protein context (NP_000738.2, residues 5-25): ALLMLLGALG[Ala15Val]PLAPGVRGSE